The following is an entry in ClinVar:

ClinVar aggregate classification (germline): Pathogenic (1 of 4 stars; one submission).

Submission:

Labcorp Genetics (formerly Invitae), Labcorp
Classification: Pathogenic. Last evaluated: 2023-04-06. Review status: criteria provided, single submitter. Criteria: Invitae Variant Classification Sherloc (09022015). Collection method: clinical testing. Allele origin: germline.
Comment: For these reasons, this variant has been classified as Pathogenic. This variant has not been reported in the literature in individuals affected with XPC-related conditions. This variant is not present in population databases (gnomAD no frequency). This sequence change creates a premature translational stop signal (p.Glu15*) in the XPC gene. It is expected to result in an absent or disrupted protein product. Loss-of-function variants in XPC are known to be pathogenic (PMID: 23173980, 25256075).

Literature cited by the submitters: PubMed 23173980; PubMed 25256075.

NM_004628.5(XPC):c.43G>T (p.Glu15Ter)

Genes: XPC (XPC complex subunit, DNA damage recognition and repair factor; minus strand), LOC129936244 (ATAC-STARR-seq lymphoblastoid active region 19500; plus strand). Cytogenetic location: 3p25.1.
Variant type: single nucleotide variant.
Coding change: c.43G>T on transcript NM_004628.5 (MANE Select); coding-DNA position 43, G replaced by T.
Protein change: p.Glu15Ter; replaces glutamic acid 15 with a stop codon.
Molecular consequence: nonsense. On other transcripts: 5 prime UTR variant (1), non-coding transcript variant (2).
Genome position (GRCh38, 1-based): chr3:14,178,526, C>A on the plus strand (G>T on the coding strand, the complement: XPC is on the minus strand). VCF-style: chr3-14178526-C-A. GRCh37 (hg19) VCF-style: chr3-14220026-C-A.
Other names: c.-413G>T (NM_001354726.2); c.43G>T, p.Glu15Ter (NM_001354727.2, NM_001354729.2, NM_001354730.2); short protein forms E15*.
Identifiers: ClinVar variation 2852830 (VCV002852830.3), dbSNP rs1340359519, ClinGen allele CA351543826.
Genomic context (GRCh38, chr3:14,178,526, plus strand): 5'-CCTCCTCCTCCTCCTCACGCCGGGCCTTGCTCTTGGCCTTGGATTTCTGGCTGCGCAGTT[C>A]GCGTCCCCGCGGCTCCCCGCCGGCCGCGCGTTTCCGAGCCATGTTGCTTGTCTGGGCAAA-3'